The following is an entry in ClinVar:

NM_001042492.3(NF1):c.8445C>T (p.His2815=)

Gene: NF1 (neurofibromin 1; plus strand). Cytogenetic location: 17q11.2.
Variant type: single nucleotide variant.
Coding change: c.8445C>T on transcript NM_001042492.3 (MANE Select); coding-DNA position 8445, C replaced by T.
Protein change: p.His2815=; no amino-acid change (histidine 2815 retained).
Molecular consequence: synonymous variant.
Genome position (GRCh38, 1-based): chr17:31,374,080, C>T. VCF-style: chr17-31374080-C-T. GRCh37 (hg19) VCF-style: chr17-29701098-C-T.
Other names: c.8382C>T, p.His2794= (NM_000267.4).
Identifiers: ClinVar variation 705923 (VCV000705923.18), dbSNP rs1597883082, ClinGen allele CA499354023.
Genomic context (GRCh38, chr17:31,374,080, plus strand): 5'-CAAGGAGAACGTTGAACTCTCCCCTACCACTGGCCACTGTAACAGTGGACGAACTCGCCA[C>T]GGATCCGCAAGCCAAGTGCAGAAGCAAAGAAGCGCTGGCAGTTTCAAACGTAATAGCATT-3'
Protein context (NP_001035957.1, residues 2805-2825): TGHCNSGRTR[His2815=]GSASQVQKQR

ClinVar aggregate classification (germline): Benign/Likely benign. Review status: criteria provided, multiple submitters, no conflicts (2 of 4 stars). 4 submissions from 4 submitters: Benign (1); Likely benign (3). Last evaluated 2026-05-22.

Conditions:
Hereditary cancer-predisposing syndrome. Also called: Neoplastic Syndromes, Hereditary; Tumor predisposition; Hereditary Cancer Syndrome; Hereditary neoplastic syndrome. Identifiers: Orphanet 140162, MedGen C0027672, MeSH D009386, MONDO:0015356.
Cardiovascular phenotype. Identifiers: MedGen CN230736.
Neurofibromatosis, type 1 (NF1). Also called: VON RECKLINGHAUSEN DISEASE; Peripheral type neurofibromatosis; Neurofibromatosis, type I; NEUROFIBROMATOSIS, TYPE I, SOMATIC. Identifiers: Orphanet 636, MedGen C0027831, MONDO:0018975, OMIM 162200. Disease mechanism: loss of function.

Allele frequency attached by ClinVar (database versions not stated): gnomAD exomes below 0.00001; TOPMed below 0.00001.
gnomAD v4.1: 6 of 1,614,082 alleles (0.00037%); highest among the groups gnomAD compares: Non-Finnish European, 0.00042%; no homozygotes.

Submissions (4):

Myriad Genetics, Inc.
Classification: Benign for Neurofibromatosis, type 1. Last evaluated: 2026-05-22. Review status: criteria provided, single submitter. Criteria: Myriad Autosomal Dominant, Autosomal Recessive and X-Linked Classification Criteria (2023). Collection method: clinical testing. Allele origin: unknown.
Comment: This variant is considered benign. This variant is a silent/synonymous amino acid change and it is not expected to impact splicing.

CeGaT Center for Human Genetics Tuebingen
Classification: Likely benign. Last evaluated: 2025-08-01. Review status: criteria provided, single submitter. Criteria: CeGaT Center For Human Genetics Tuebingen Variant Classification Criteria Version 2. Collection method: clinical testing. Allele origin: germline. Affected: yes. Observed: 1 variant allele.
Comment: NF1: BP4, BP7

Labcorp Genetics (formerly Invitae), Labcorp
Classification: Likely benign for Neurofibromatosis, type 1. Last evaluated: 2025-02-17. Review status: criteria provided, single submitter. Criteria: Invitae Variant Classification Sherloc (09022015). Collection method: clinical testing. Allele origin: germline.

Ambry Genetics
Classification: Likely benign for Cardiovascular phenotype; Hereditary cancer-predisposing syndrome. Last evaluated: 2022-12-01. Review status: criteria provided, single submitter. Criteria: Ambry Variant Classification Scheme 2023. Collection method: clinical testing. Allele origin: germline.